The following is an entry in ClinVar:

NM_002184.4(IL6ST):c.1102G>A (p.Val368Met)

Gene: IL6ST (interleukin 6 cytokine family signal transducer; minus strand). Cytogenetic location: 5q11.2.
Variant type: single nucleotide variant.
Coding change: c.1102G>A on transcript NM_002184.4 (MANE Select); coding-DNA position 1102, G replaced by A.
Protein change: p.Val368Met; replaces valine 368 with methionine.
Molecular consequence: missense variant. On other transcripts: 3 prime UTR variant (1), non-coding transcript variant (2).
Genome position (GRCh38, 1-based): chr5:55,956,190, C>T on the plus strand (G>A on the coding strand, the complement: IL6ST is on the minus strand). VCF-style: chr5-55956190-C-T. GRCh37 (hg19) VCF-style: chr5-55252018-C-T.
Other names: c.1102G>A, p.Val368Met (NM_001190981.2, NM_001364275.2); c.892G>A, p.Val298Met (NM_001364276.2); c.235G>A, p.Val79Met (NM_001364277.2); c.199G>A, p.Val67Met (NM_001364278.2); c.106G>A, p.Val36Met (NM_001364279.2); c.*29G>A (NM_175767.3); short protein forms V368M, V67M, V79M, V298M, V36M.
Identifiers: ClinVar variation 1499067 (VCV001499067.8), dbSNP rs1328461311, ClinGen allele CA359764508.

ClinVar aggregate classification (germline): Uncertain significance (1 of 4 stars; one submission).

Allele frequency attached by ClinVar (database versions not stated): gnomAD exomes below 0.00001 and 0.00001.
gnomAD v4.1: 2 of 1,611,938 alleles (0.00012%); highest among the groups gnomAD compares: Admixed American, 0.0033%; no homozygotes.

Submission:

Labcorp Genetics (formerly Invitae), Labcorp
Classification: Uncertain significance. Last evaluated: 2025-02-03. Review status: criteria provided, single submitter. Criteria: Invitae Variant Classification Sherloc (09022015). Collection method: clinical testing. Allele origin: germline.
Comment: This sequence change replaces valine, which is neutral and non-polar, with methionine, which is neutral and non-polar, at codon 368 of the IL6ST protein (p.Val368Met). This variant is present in population databases (no rsID available, gnomAD 0.006%). This variant has not been reported in the literature in individuals affected with IL6ST-related conditions. ClinVar contains an entry for this variant (Variation ID: 1499067). An algorithm developed to predict the effect of missense changes on protein structure and function (PolyPhen-2) suggests that this variant is likely to be disruptive. In summary, the available evidence is currently insufficient to determine the role of this variant in disease. Therefore, it has been classified as a Variant of Uncertain Significance.